The following is an entry in ClinVar:

NM_003072.5(SMARCA4):c.191A>G (p.Tyr64Cys)

Gene: SMARCA4 (SWI/SNF related BAF chromatin remodeling complex subunit ATPase 4; plus strand). Cytogenetic location: 19p13.2.
Variant type: single nucleotide variant.
Coding change: c.191A>G on transcript NM_003072.5 (MANE Select); coding-DNA position 191, A replaced by G.
Protein change: p.Tyr64Cys; replaces tyrosine 64 with cysteine.
Molecular consequence: missense variant. On other transcripts: non-coding transcript variant (1).
Genome position (GRCh38, 1-based): chr19:10,984,342, A>G. VCF-style: chr19-10984342-A-G. GRCh37 (hg19) VCF-style: chr19-11095018-A-G.
Other names: c.191A>G, p.Tyr64Cys (NM_001128844.3, NM_001128845.2, NM_001128846.2 and 5 more transcripts); short protein forms Y64C.
Identifiers: ClinVar variation 1348775 (VCV001348775.6), dbSNP rs1599930186, ClinGen allele CA404054609.

ClinVar aggregate classification (germline): Uncertain significance (1 of 4 stars; one submission).

Conditions:
Rhabdoid tumor predisposition syndrome 2 (RTPS2). Identifiers: Orphanet 231108, Orphanet 69077, MedGen C2750074, MONDO:0013224, OMIM 613325.

Submission:

Labcorp Genetics (formerly Invitae), Labcorp
Classification: Uncertain significance for Rhabdoid tumor predisposition syndrome 2. Last evaluated: 2022-02-18. Review status: criteria provided, single submitter. Criteria: Invitae Variant Classification Sherloc (09022015). Collection method: clinical testing. Allele origin: germline.
Comment: This sequence change replaces tyrosine, which is neutral and polar, with cysteine, which is neutral and slightly polar, at codon 64 of the SMARCA4 protein (p.Tyr64Cys). This variant is not present in population databases (gnomAD no frequency). This variant has not been reported in the literature in individuals affected with SMARCA4-related conditions. Algorithms developed to predict the effect of missense changes on protein structure and function (SIFT, PolyPhen-2, Align-GVGD) all suggest that this variant is likely to be disruptive. In summary, the available evidence is currently insufficient to determine the role of this variant in disease. Therefore, it has been classified as a Variant of Uncertain Significance.